The following is an entry in ClinVar:

NM_006612.6(KIF1C):c.1387C>T (p.Arg463Cys)

Gene: KIF1C (kinesin family member 1C; plus strand). Cytogenetic location: 17p13.2.
Variant type: single nucleotide variant.
Coding change: c.1387C>T on transcript NM_006612.6 (MANE Select); coding-DNA position 1387, C replaced by T.
Protein change: p.Arg463Cys; replaces arginine 463 with cysteine.
Molecular consequence: missense variant.
Genome position (GRCh38, 1-based): chr17:5,007,314, C>T. VCF-style: chr17-5007314-C-T. GRCh37 (hg19) VCF-style: chr17-4910609-C-T.
Other names: short protein forms R463C.
Identifiers: ClinVar variation 808201 (VCV000808201.47), dbSNP rs759516774, ClinGen allele CA8318957.
Genomic context (GRCh38, chr17:5,007,314, plus strand): 5'-CGCCCCCAGGAGACAGAGAAGATTATAGCTGAGCTGAACGAGACATGGGAGGAGAAGCTA[C>T]GCAAGACAGAAGCCCTGAGGATGGAGAGGTGTGAGGGCCGACAGTTGGGGTCCTGGGTGG-3'
Protein context (NP_006603.2, residues 453-473): ELNETWEEKL[Arg463Cys]KTEALRMERE

ClinVar aggregate classification (germline): Uncertain significance. Review status: criteria provided, multiple submitters, no conflicts (2 of 4 stars). 3 submissions from 3 submitters: Uncertain significance (3). Last evaluated 2024-09-24.

Conditions:
Spastic ataxia 2. Also called: Ataxia, spastic, 2, autosomal recessive. Identifiers: Orphanet 397946, MedGen C1969796, MONDO:0012651, OMIM 611302.
Inborn genetic diseases. Identifiers: MedGen C0950123, MeSH D030342.

Allele frequency attached by ClinVar (database versions not stated): ExAC 0.00004; TOPMed 0.00004; gnomAD exomes 0.00005; gnomAD 0.00006.
gnomAD v4.1: 57 of 1,613,014 alleles (0.0035%); highest among the groups gnomAD compares: South Asian, 0.016%; no homozygotes.

Submissions (3):

Ambry Genetics
Classification: Uncertain significance for Inborn genetic diseases. Last evaluated: 2024-09-24. Review status: criteria provided, single submitter. Criteria: Ambry Variant Classification Scheme 2023. Collection method: clinical testing. Allele origin: germline.

Labcorp Genetics (formerly Invitae), Labcorp
Classification: Uncertain significance for Spastic ataxia 2. Last evaluated: 2021-08-28. Review status: criteria provided, single submitter. Criteria: Invitae Variant Classification Sherloc (09022015). Collection method: clinical testing. Allele origin: germline.
Comment: This sequence change replaces arginine with cysteine at codon 463 of the KIF1C protein (p.Arg463Cys). The arginine residue is highly conserved and there is a large physicochemical difference between arginine and cysteine. This variant is present in population databases (rs759516774, ExAC 0.01%). This variant has not been reported in the literature in individuals affected with KIF1C-related conditions. Algorithms developed to predict the effect of missense changes on protein structure and function are either unavailable or do not agree on the potential impact of this missense change (SIFT: "Deleterious"; PolyPhen-2: "Benign"; Align-GVGD: "Class C65"). In summary, the available evidence is currently insufficient to determine the role of this variant in disease. Therefore, it has been classified as a Variant of Uncertain Significance.

CeGaT Center for Human Genetics Tuebingen
Classification: Uncertain significance. Last evaluated: 2019-04-01. Review status: criteria provided, single submitter. Criteria: CeGaT Center For Human Genetics Tuebingen Variant Classification Criteria Version 2. Collection method: clinical testing. Allele origin: germline. Affected: yes. Observed: 2 variant alleles.